The following is an entry in ClinVar:

ClinVar aggregate classification (germline): Benign/Likely benign. Review status: criteria provided, multiple submitters, no conflicts (2 of 4 stars). 3 submissions from 3 submitters: Benign (1); Likely benign (2). Last evaluated 2025-06-13.

Conditions:
Chuvash polycythemia. Also called: POLYCYTHEMIA, VHL-DEPENDENT. Identifiers: Orphanet 238557, MedGen C1837915, MONDO:0009892, OMIM 263400.
Von Hippel-Lindau syndrome (VHLS). Also called: von Hippel–Lindau syndrome; VHL syndrome; Von Hippel-Lindau. Identifiers: Orphanet 892, MedGen C0019562, MONDO:0008667, OMIM 193300. Disease mechanism: loss of function.

Submissions (3):

Myriad Genetics, Inc.
Classification: Benign for Von Hippel-Lindau syndrome. Last evaluated: 2025-06-13. Review status: criteria provided, single submitter. Criteria: Myriad Autosomal Dominant, Autosomal Recessive and X-Linked Classification Criteria (2023). Collection method: clinical testing. Allele origin: unknown.
Comment: This variant is considered benign. This variant is a silent/synonymous amino acid change and it is not expected to impact splicing.

Labcorp Genetics (formerly Invitae), Labcorp
Classification: Likely benign for Von Hippel-Lindau syndrome; Chuvash polycythemia. Last evaluated: 2023-07-10. Review status: criteria provided, single submitter. Criteria: Invitae Variant Classification Sherloc (09022015). Collection method: clinical testing. Allele origin: germline.

GeneDx
Classification: Likely benign. Last evaluated: 2018-05-22. Review status: criteria provided, single submitter. Criteria: GeneDx Variant Classification (06012015). Collection method: clinical testing. Allele origin: germline. Affected: yes.
Comment: This variant is considered likely benign or benign based on one or more of the following criteria: it is a conservative change, it occurs at a poorly conserved position in the protein, it is predicted to be benign by multiple in silico algorithms, and/or has population frequency not consistent with disease.

NM_000551.4(VHL):c.618T>C (p.Ile206=)

Genes: VHL (von Hippel-Lindau tumor suppressor; plus strand), LOC107303340 (3p25 von Hippel-Lindau tumor suppressor, E3 ubiquitin protein ligase Alu-mediated recombination region; plus strand). Cytogenetic location: 3p25.3.
Variant type: single nucleotide variant.
Coding change: c.618T>C on transcript NM_000551.4 (MANE Select); coding-DNA position 618, T replaced by C.
Protein change: p.Ile206=; no amino-acid change (isoleucine 206 retained).
Molecular consequence: synonymous variant. On other transcripts: 3 prime UTR variant (1).
Genome position (GRCh38, 1-based): chr3:10,149,941, T>C. VCF-style: chr3-10149941-T-C. GRCh37 (hg19) VCF-style: chr3-10191625-T-C.
Other names: c.*172T>C (NM_001354723.2); c.495T>C, p.Ile165= (NM_198156.3).
Identifiers: ClinVar variation 668617 (VCV000668617.10), dbSNP rs1575932691, ClinGen allele CA432423936.
Genomic context (GRCh38, chr3:10,149,941, plus strand): 5'-AGATCTGGAAGACCACCCAAATGTGCAGAAAGACCTGGAGCGGCTGACACAGGAGCGCAT[T>C]GCACATCAACGGATGGGAGATTGAAGATTTCTGTTGAAACTTACACTGTTTCATCTCAGC-3'
Protein context (NP_000542.1, residues 196-213): KDLERLTQER[Ile206=]AHQRMGD